The following is an entry in ClinVar:

NM_198834.3(ACACA):c.4777-8del

Gene: ACACA (acetyl-CoA carboxylase alpha; minus strand). Cytogenetic location: 17q12.
Variant type: Deletion.
Coding change: c.4777-8del on transcript NM_198834.3 (MANE Select); 8 bases into the intron before coding-DNA position 4777, one base deleted (T; older notation c.4777-8delT).
Molecular consequence: intron variant.
Genome position (GRCh38, 1-based): chr17:37,181,364, A deleted on the plus strand (T on the coding strand, the reverse complement: ACACA is on the minus strand); the first of 9 consecutive A bases (chr17:37,181,364-37,181,372); deleting any one gives the same sequence. VCF-style (leftmost placement, unchanged base first): chr17-37181363-GA-G. GRCh37 (hg19) VCF-style: chr17-35538304-GA-G.
Other names: c.4666-8del (NM_198839.3, NM_198836.3); c.4492-8del (NM_198837.2); c.4432-8del (NM_198838.2).
Identifiers: ClinVar variation 3042266 (VCV003042266.2), dbSNP rs149182938, ClinGen allele CA8514991.

ClinVar aggregate classification (germline): Likely benign (0 of 4 stars; one submission).

Conditions:
ACACA-related disorder. Also called: ACACA-related condition.

Submission:

PreventionGenetics, part of Exact Sciences
Classification: Likely benign for ACACA-related condition. Last evaluated: 2019-07-18. Review status: no assertion criteria provided. Collection method: clinical testing. Allele origin: germline.
Comment: This variant is classified as likely benign based on ACMG/AMP sequence variant interpretation guidelines (Richards et al. 2015 PMID: 25741868, with internal and published modifications).